The following is an entry in ClinVar:

NM_006415.4(SPTLC1):c.20A>G (p.Gln7Arg)

Gene: SPTLC1 (serine palmitoyltransferase long chain base subunit 1; minus strand). Cytogenetic location: 9q22.31.
Variant type: single nucleotide variant.
Coding change: c.20A>G on transcript NM_006415.4 (MANE Select); coding-DNA position 20, A replaced by G.
Protein change: p.Gln7Arg; replaces glutamine 7 with arginine.
Molecular consequence: missense variant. On other transcripts: 5 prime UTR variant (2).
Genome position (GRCh38, 1-based): chr9:92,115,351, T>C on the plus strand (A>G on the coding strand, the complement: SPTLC1 is on the minus strand). VCF-style: chr9-92115351-T-C. GRCh37 (hg19) VCF-style: chr9-94877633-T-C.
Other names: c.20A>G, p.Gln7Arg (NM_001281303.2, NM_178324.3); c.-480A>G (NM_001368272.1); c.-591A>G (NM_001368273.1); short protein forms Q7R.
Identifiers: ClinVar variation 2166537 (VCV002166537.4), dbSNP rs2538540300, ClinGen allele CA373797621.

ClinVar aggregate classification (germline): Uncertain significance (1 of 4 stars; one submission).

Conditions:
Hereditary sensory and autonomic neuropathy type 1 (HSAN1). Also called: HSAN 1; HSN Type I; Hereditary Sensory Neuropathy Type I. Identifiers: Orphanet 36386, MedGen C0020071, MONDO:0018213.

Allele frequency attached by ClinVar (database versions not stated): gnomAD exomes below 0.00001.
gnomAD v4.1: 2 of 1,612,948 alleles (0.00012%); highest among the groups gnomAD compares: Non-Finnish European, 0.00017%; no homozygotes.

Submission:

Labcorp Genetics (formerly Invitae), Labcorp
Classification: Uncertain significance for Hereditary sensory and autonomic neuropathy type 1. Last evaluated: 2025-10-19. Review status: criteria provided, single submitter. Criteria: Invitae Variant Classification Sherloc (09022015). Collection method: clinical testing. Allele origin: germline.
Comment: This sequence change replaces glutamine, which is neutral and polar, with arginine, which is basic and polar, at codon 7 of the SPTLC1 protein (p.Gln7Arg). This variant is not present in population databases (gnomAD no frequency). This variant has not been reported in the literature in individuals affected with SPTLC1-related conditions. ClinVar contains an entry for this variant (Variation ID: 2166537). An algorithm developed to predict the effect of missense changes on protein structure and function (PolyPhen-2) suggests that this variant is likely to be tolerated. Algorithms developed to predict the effect of sequence changes on RNA splicing suggest that this variant may create or strengthen a splice site. In summary, the available evidence is currently insufficient to determine the role of this variant in disease. Therefore, it has been classified as a Variant of Uncertain Significance.